The following is an entry in ClinVar:

ClinVar aggregate classification (germline): Pathogenic (1 of 4 stars; one submission).

Conditions:
Rhabdoid tumor predisposition syndrome 2 (RTPS2). Identifiers: Orphanet 231108, Orphanet 69077, MedGen C2750074, MONDO:0013224, OMIM 613325.

Submission:

Labcorp Genetics (formerly Invitae), Labcorp
Classification: Pathogenic for Rhabdoid tumor predisposition syndrome 2. Last evaluated: 2022-03-15. Review status: criteria provided, single submitter. Criteria: Invitae Variant Classification Sherloc (09022015). Collection method: clinical testing. Allele origin: germline.
Comment: For these reasons, this variant has been classified as Pathogenic. This variant has not been reported in the literature in individuals affected with SMARCA4-related conditions. This variant is not present in population databases (gnomAD no frequency). This sequence change creates a premature translational stop signal (p.Gln356*) in the SMARCA4 gene. It is expected to result in an absent or disrupted protein product. Loss-of-function variants in SMARCA4 are known to be pathogenic (PMID: 24658001, 24658002).

Literature cited by the submitters: PubMed 24658001; PubMed 24658002.

NM_003072.5(SMARCA4):c.1066C>T (p.Gln356Ter)

Gene: SMARCA4 (SWI/SNF related BAF chromatin remodeling complex subunit ATPase 4; plus strand). Cytogenetic location: 19p13.2.
Variant type: single nucleotide variant.
Coding change: c.1066C>T on transcript NM_003072.5 (MANE Select); coding-DNA position 1066, C replaced by T.
Protein change: p.Gln356Ter; replaces glutamine 356 with a stop codon.
Molecular consequence: nonsense. On other transcripts: non-coding transcript variant (1).
Genome position (GRCh38, 1-based): chr19:10,987,872, C>T. VCF-style: chr19-10987872-C-T. GRCh37 (hg19) VCF-style: chr19-11098548-C-T.
Other names: c.1066C>T, p.Gln356Ter (NM_001128848.2, NM_001128849.3, NM_001374457.1 and 6 more transcripts); short protein forms Q356*.
Identifiers: ClinVar variation 2112795 (VCV002112795.4), dbSNP rs2145821217, ClinGen allele CA404058766.